The following is an entry in ClinVar:

ClinVar aggregate classification (germline): Conflicting classifications of pathogenicity. Review status: criteria provided, conflicting classifications (1 of 4 stars). 3 submissions from 3 submitters: Uncertain significance (2); Likely benign (1). Last evaluated 2025-11-13.

Conditions:
Cardiovascular phenotype. Identifiers: MedGen CN230736.
Myofibrillar myopathy 5. Also called: FILAMINOPATHY, AUTOSOMAL DOMINANT; Filaminopathy (type). Identifiers: Orphanet 171445, MedGen C1836050, MONDO:0012289, OMIM 609524.
Distal myopathy with posterior leg and anterior hand involvement. Also called: WILLIAMS DISTAL MYOPATHY. Identifiers: Orphanet 63273, MedGen C3279722, MONDO:0013550, OMIM 614065.
Hypertrophic cardiomyopathy 26. Also called: Cardiomyopathy, familial hypertrophic, 26. Identifiers: Orphanet 75249, MedGen C4310749, MONDO:0014883, OMIM 617047.

Allele frequency attached by ClinVar (database versions not stated): gnomAD exomes below 0.00001; gnomAD 0.00001; TOPMed 0.00002.
gnomAD v4.1: 13 of 1,612,430 alleles (0.00081%); highest among the groups gnomAD compares: African/African-American, 0.0027%; no homozygotes.

Submissions (3):

Labcorp Genetics (formerly Invitae), Labcorp
Classification: Likely benign for Distal myopathy with posterior leg and anterior hand involvement; Myofibrillar myopathy 5; Hypertrophic cardiomyopathy 26. Last evaluated: 2025-11-13. Review status: criteria provided, single submitter. Criteria: Invitae Variant Classification Sherloc (09022015). Collection method: clinical testing. Allele origin: germline.

GeneDx
Classification: Uncertain significance. Last evaluated: 2023-12-14. Review status: criteria provided, single submitter. Criteria: GeneDx Variant Classification Process June 2021. Collection method: clinical testing. Allele origin: germline. Affected: yes.
Comment: Not observed at significant frequency in large population cohorts (gnomAD); In silico analysis supports that this missense variant has a deleterious effect on protein structure/function; Not reported in association with a FLNC-related disorder to our knowledge; This variant is associated with the following publications: (PMID: 30411535)

Ambry Genetics
Classification: Uncertain significance for Cardiovascular phenotype. Last evaluated: 2022-04-09. Review status: criteria provided, single submitter. Criteria: Ambry Variant Classification Scheme 2023. Collection method: clinical testing. Allele origin: germline.
Comment: The p.S469L variant (also known as c.1406C>T), located in coding exon 8 of the FLNC gene, results from a C to T substitution at nucleotide position 1406. The serine at codon 469 is replaced by leucine, an amino acid with dissimilar properties. This variant was reported in an unaffected control subject from a hypertrophic cardiomyopathy (HCM) study (Cui H et al. Mol Genet Genomic Med, 2018 11;6:1104-1113). This amino acid position is poorly conserved in available vertebrate species. In addition, this alteration is predicted to be tolerated by in silico analysis. Since supporting evidence is limited at this time, the clinical significance of this alteration remains unclear.

Literature cited by the submitters: PubMed 30411535 (cited by Ambry Genetics).

NM_001458.5(FLNC):c.1406C>T (p.Ser469Leu)

Gene: FLNC (filamin C; plus strand). Cytogenetic location: 7q32.1.
Variant type: single nucleotide variant.
Coding change: c.1406C>T on transcript NM_001458.5 (MANE Select); coding-DNA position 1406, C replaced by T.
Protein change: p.Ser469Leu; replaces serine 469 with leucine.
Molecular consequence: missense variant.
Genome position (GRCh38, 1-based): chr7:128,838,798, C>T. VCF-style: chr7-128838798-C-T. GRCh37 (hg19) VCF-style: chr7-128478852-C-T.
Other names: c.1406C>T, p.Ser469Leu (NM_001127487.2); short protein forms S469L.
Identifiers: ClinVar variation 952174 (VCV000952174.11), dbSNP rs1279257124, ClinGen allele CA369225272.